The following is an entry in ClinVar:

NM_004360.5(CDH1):c.1853A>G (p.Asp618Gly)

Gene: CDH1 (cadherin 1; plus strand). Cytogenetic location: 16q22.1.
Variant type: single nucleotide variant.
Coding change: c.1853A>G on transcript NM_004360.5 (MANE Select); coding-DNA position 1853, A replaced by G.
Protein change: p.Asp618Gly; replaces aspartic acid 618 with glycine.
Molecular consequence: missense variant. On other transcripts: 5 prime UTR variant (1).
Genome position (GRCh38, 1-based): chr16:68,822,142, A>G. VCF-style: chr16-68822142-A-G. GRCh37 (hg19) VCF-style: chr16-68856045-A-G.
Other names: c.1670A>G, p.Asp557Gly (NM_001317184.2); c.305A>G, p.Asp102Gly (NM_001317185.2); c.-113A>G (NM_001317186.2); short protein forms D102G, D557G, D618G.
Identifiers: ClinVar variation 4536349 (VCV004536349.1).

ClinVar aggregate classification (germline): Uncertain significance (1 of 4 stars; one submission).

Submission:

GeneDx
Classification: Uncertain significance. Last evaluated: 2025-06-03. Review status: criteria provided, single submitter. Criteria: GeneDx Variant Classification Process June 2021. Collection method: clinical testing. Allele origin: germline. Affected: yes.
Comment: Not observed at significant frequency in large population cohorts (gnomAD); In silico analysis supports that this missense variant has a deleterious effect on protein structure/function; Has not been previously published as pathogenic or benign to our knowledge; This variant is associated with the following publications: (PMID: 15235021, 22850631)